The following is an entry in ClinVar:

NM_000489.6(ATRX):c.2286G>C (p.Lys762Asn)

Gene: ATRX (ATRX chromatin remodeler; minus strand). Cytogenetic location: Xq21.1.
Variant type: single nucleotide variant.
Coding change: c.2286G>C on transcript NM_000489.6 (MANE Select); coding-DNA position 2286, G replaced by C.
Protein change: p.Lys762Asn; replaces lysine 762 with asparagine.
Molecular consequence: missense variant.
Genome position (GRCh38, 1-based): chrX:77,682,970, C>G on the plus strand (G>C on the coding strand, the complement: ATRX is on the minus strand). VCF-style: chrX-77682970-C-G. GRCh37 (hg19) VCF-style: chrX-76938462-C-G.
Other names: c.2172G>C, p.Lys724Asn (NM_138270.5); short protein forms K724N, K762N.
Identifiers: ClinVar variation 3013677 (VCV003013677.3), dbSNP rs1490691498, ClinGen allele CA413712760.
Genomic context (GRCh38, chrX:77,682,970, plus strand): 5'-TTTTCGTTTCCTTTTTCCTTTATCATCTTTCCCCGCCTGAGTCTTTAAATCATACAAAGT[C>G]TTATGGTTTGTATGAATTTCATTAATATCAGTATCTGAAGAAGAACTGTGACTCATCCTG-3'
Protein context (NP_000480.3, residues 752-772): TDINEIHTNH[Lys762Asn]TLYDLKTQAG

ClinVar aggregate classification (germline): Uncertain significance (1 of 4 stars; one submission).

Conditions:
Alpha thalassemia-X-linked intellectual disability syndrome (ATRX). Also called: ALPHA-THALASSEMIA/MENTAL RETARDATION SYNDROME, X-LINKED; ATR, NONDELETION TYPE; ATR-X syndrome; Alpha thalassemia mental retardation syndrome, nondeletion type, X-linked; XLMR hypotonic face syndrome; X-linked alpha-thalassemia-mental retardation syndrome. Identifiers: Orphanet 847, MedGen C1845055, MONDO:0010519, OMIM 301040.

Allele frequency attached by ClinVar (database versions not stated): gnomAD 0.00001; TOPMed 0.00001.
gnomAD v4.1: 1 of 1,207,582 alleles (0.000083%); highest among the groups gnomAD compares: Non-Finnish European, 0.00011%; no homozygotes.

Submission:

Labcorp Genetics (formerly Invitae), Labcorp
Classification: Uncertain significance for Alpha thalassemia-X-linked intellectual disability syndrome. Last evaluated: 2023-12-27. Review status: criteria provided, single submitter. Criteria: Invitae Variant Classification Sherloc (09022015). Collection method: clinical testing. Allele origin: germline.
Comment: This sequence change replaces lysine, which is basic and polar, with asparagine, which is neutral and polar, at codon 762 of the ATRX protein (p.Lys762Asn). This variant is not present in population databases (gnomAD no frequency). This variant has not been reported in the literature in individuals affected with ATRX-related conditions. Advanced modeling of protein sequence and biophysical properties (such as structural, functional, and spatial information, amino acid conservation, physicochemical variation, residue mobility, and thermodynamic stability) performed at Invitae indicates that this missense variant is not expected to disrupt ATRX protein function with a negative predictive value of 95%. In summary, the available evidence is currently insufficient to determine the role of this variant in disease. Therefore, it has been classified as a Variant of Uncertain Significance.